The following is an entry in ClinVar:

ClinVar aggregate classification (germline): Uncertain significance (1 of 4 stars; one submission).

Conditions:
Inborn genetic diseases. Identifiers: MedGen C0950123, MeSH D030342.

gnomAD v4.1: 1 of 1,498,100 alleles (0.000067%); highest among the groups gnomAD compares: Non-Finnish European, 0.000089%; no homozygotes.

Submission:

Ambry Genetics
Classification: Uncertain significance for Inborn genetic diseases. Last evaluated: 2025-11-04. Review status: criteria provided, single submitter. Criteria: Ambry Variant Classification Scheme 2023. Collection method: clinical testing. Allele origin: germline.
Comment: The p.I68F variant (also known as c.202A>T), located in coding exon 1 of the CEBPA gene, results from an A to T substitution at nucleotide position 202. The isoleucine at codon 68 is replaced by phenylalanine, an amino acid with highly similar properties. This amino acid position is conserved. In addition, the in silico prediction for this alteration is inconclusive. Based on the available evidence, the clinical significance of this variant remains unclear.

NM_004364.5(CEBPA):c.202A>T (p.Ile68Phe)

Gene: CEBPA (CCAAT enhancer binding protein alpha; minus strand). Cytogenetic location: 19q13.11.
Variant type: single nucleotide variant.
Coding change: c.202A>T on transcript NM_004364.5 (MANE Select); coding-DNA position 202, A replaced by T.
Protein change: p.Ile68Phe; replaces isoleucine 68 with phenylalanine.
Molecular consequence: missense variant. On other transcripts: 5 prime UTR variant (1).
Genome position (GRCh38, 1-based): chr19:33,302,213, T>A on the plus strand (A>T on the coding strand, the complement: CEBPA is on the minus strand). VCF-style: chr19-33302213-T-A. GRCh37 (hg19) VCF-style: chr19-33793119-T-A.
Other names: c.-156A>T (NM_001285829.2); c.307A>T, p.Ile103Phe (NM_001287424.2); c.160A>T, p.Ile54Phe (NM_001287435.2); short protein forms I54F, I103F, I68F.
Identifiers: ClinVar variation 4611285 (VCV004611285.1).
Genomic context (GRCh38, chr19:33,302,213, plus strand): 5'-GCTGCCGGCTGTGCTGGAACAGGTCGGCCAGGAACTCGTCGTTGAAGGCGGCCGGGTCGA[T>A]GTAGGCGCTGATGTCGATGGACGTCTCGTGCTCGCAGATGCCGCCCAGCGGCTCCGGGGC-3'
Protein context (NP_004355.2, residues 58-78): HETSIDISAY[Ile68Phe]DPAAFNDEFL